The following is an entry in ClinVar:

NM_001375808.2(LPIN2):c.629A>G (p.Lys210Arg)

Gene: LPIN2 (lipin 2; minus strand). Cytogenetic location: 18p11.31.
Variant type: single nucleotide variant.
Coding change: c.629A>G on transcript NM_001375808.2 (MANE Select); coding-DNA position 629, A replaced by G.
Protein change: p.Lys210Arg; replaces lysine 210 with arginine.
Molecular consequence: missense variant.
Genome position (GRCh38, 1-based): chr18:2,940,674, T>C on the plus strand (A>G on the coding strand, the complement: LPIN2 is on the minus strand). VCF-style: chr18-2940674-T-C. GRCh37 (hg19) VCF-style: chr18-2940672-T-C.
Other names: c.629A>G, p.Lys210Arg (NM_001375809.1, NM_014646.2); short protein forms K210R.
Identifiers: ClinVar variation 2171549 (VCV002171549.1), dbSNP rs2510267545, ClinGen allele CA401707833.

ClinVar aggregate classification (germline): Uncertain significance (1 of 4 stars; one submission).

Conditions:
Majeed syndrome (MJDS). Also called: CHRONIC RECURRENT MULTIFOCAL OSTEOMYELITIS 1, WITH CONGENITAL DYSERYTHROPOIETIC ANEMIA, WITH OR WITHOUT NEUTROPHILIC DERMATOSIS; LPIN2-Related Majeed Syndrome. Identifiers: Orphanet 77297, MedGen C1864997, MONDO:0012316, OMIM 609628.

Submission:

Labcorp Genetics (formerly Invitae), Labcorp
Classification: Uncertain significance for Majeed syndrome. Last evaluated: 2022-08-19. Review status: criteria provided, single submitter. Criteria: Invitae Variant Classification Sherloc (09022015). Collection method: clinical testing. Allele origin: germline.
Comment: This sequence change replaces lysine, which is basic and polar, with arginine, which is basic and polar, at codon 210 of the LPIN2 protein (p.Lys210Arg). This variant is not present in population databases (gnomAD no frequency). This variant has not been reported in the literature in individuals affected with LPIN2-related conditions. Algorithms developed to predict the effect of missense changes on protein structure and function (SIFT, PolyPhen-2, Align-GVGD) all suggest that this variant is likely to be tolerated. In summary, the available evidence is currently insufficient to determine the role of this variant in disease. Therefore, it has been classified as a Variant of Uncertain Significance.